The following is an entry in ClinVar:

ClinVar aggregate classification (germline): Likely pathogenic (1 of 4 stars; one submission).

Conditions:
RYR1-related disorder. Also called: RYR1-related condition; RYR1-related disorders. Identifiers: MedGen CN239331.

Submission:

Labcorp Genetics (formerly Invitae), Labcorp
Classification: Likely pathogenic for RYR1-related disorder. Last evaluated: 2023-04-12. Review status: criteria provided, single submitter. Criteria: Invitae Variant Classification Sherloc (09022015). Collection method: clinical testing. Allele origin: germline.
Comment: In summary, the currently available evidence indicates that the variant is pathogenic, but additional data are needed to prove that conclusively. Therefore, this variant has been classified as Likely Pathogenic. Algorithms developed to predict the effect of sequence changes on RNA splicing suggest that this variant may disrupt the consensus splice site. This variant has not been reported in the literature in individuals affected with RYR1-related conditions. This variant is not present in population databases (gnomAD no frequency). This sequence change affects an acceptor splice site in intron 10 of the RYR1 gene. It is expected to disrupt RNA splicing. Variants that disrupt the donor or acceptor splice site typically lead to a loss of protein function (PMID: 16199547), and loss-of-function variants in RYR1 are known to be pathogenic (PMID: 23919265, 25960145, 28818389, 30611313).

Literature cited by the submitters: PubMed 16199547; PubMed 23919265; PubMed 25960145; PubMed 28818389; PubMed 30611313.

NM_000540.3(RYR1):c.958-2A>G

Gene: RYR1 (ryanodine receptor 1; plus strand). Cytogenetic location: 19q13.2.
Variant type: single nucleotide variant.
Coding change: c.958-2A>G on transcript NM_000540.3 (MANE Select); the canonical splice acceptor site of the intron before coding-DNA position 958, A replaced by G.
Molecular consequence: splice acceptor variant.
Genome position (GRCh38, 1-based): chr19:38,448,647, A>G. VCF-style: chr19-38448647-A-G. GRCh37 (hg19) VCF-style: chr19-38939287-A-G.
Other names: c.958-2A>G (NM_001042723.2).
Identifiers: ClinVar variation 2873152 (VCV002873152.3), dbSNP rs1966917399, ClinGen allele CA405682553.